The following is an entry in ClinVar:

NM_144999.4(LRRC45):c.1191G>A (p.Met397Ile)

Gene: LRRC45 (leucine rich repeat containing 45; plus strand). Cytogenetic location: 17q25.3.
Variant type: single nucleotide variant.
Coding change: c.1191G>A on transcript NM_144999.4 (MANE Select); coding-DNA position 1191, G replaced by A.
Protein change: p.Met397Ile; replaces methionine 397 with isoleucine.
Molecular consequence: missense variant.
Genome position (GRCh38, 1-based): chr17:82,028,462, G>A. VCF-style: chr17-82028462-G-A. GRCh37 (hg19) VCF-style: chr17-79986338-G-A.
Other names: short protein forms M397I.
Identifiers: ClinVar variation 4990205 (VCV004990205.1).

ClinVar aggregate classification (germline): Uncertain significance (1 of 4 stars; one submission).

Conditions:
LRRC45-related disorder. Also called: LRRC45-related condition.

gnomAD v4.1: 1 of 1,612,670 alleles (0.000062%); highest among the groups gnomAD compares: Non-Finnish European, 0.000085%; no homozygotes.

Submission:

PreventionGenetics, part of Exact Sciences
Classification: Uncertain significance for LRRC45-related condition. Last evaluated: 2026-05-21. Review status: criteria provided, single submitter. Criteria: ACMG Guidelines, 2015. Collection method: clinical testing. Allele origin: germline.
Comment: The LRRC45 c.1191G>A variant is predicted to result in the amino acid substitution p.Met397Ile. To our knowledge, this variant has not been reported in the literature or in a large population database (gnomAD), indicating this variant is rare. At this time, the clinical significance of this variant is uncertain due to the absence of conclusive functional and genetic evidence.